The following is an entry in ClinVar:

ClinVar aggregate classification (germline): Uncertain significance (1 of 4 stars; one submission).

Conditions:
Chondrodysplasia punctata, brachytelephalangic, autosomal. Also called: BRACHYTELEPHALANGIC CHONDRODYSPLASIA PUNCTATA. Identifiers: MedGen C1844853, MONDO:0011238, OMIM 602497.

Submission:

Labcorp Genetics (formerly Invitae), Labcorp
Classification: Uncertain significance for Chondrodysplasia punctata, brachytelephalangic, autosomal. Last evaluated: 2025-01-06. Review status: criteria provided, single submitter. Criteria: Invitae Variant Classification Sherloc (09022015). Collection method: clinical testing. Allele origin: germline.
Comment: This sequence change replaces aspartic acid, which is acidic and polar, with tyrosine, which is neutral and polar, at codon 429 of the ARSE protein (p.Asp429Tyr). This variant is not present in population databases (gnomAD no frequency). This variant has not been reported in the literature in individuals affected with ARSE-related conditions. Invitae Evidence Modeling of protein sequence and biophysical properties (such as structural, functional, and spatial information, amino acid conservation, physicochemical variation, residue mobility, and thermodynamic stability) indicates that this missense variant is not expected to disrupt ARSE protein function with a negative predictive value of 80%. In summary, the available evidence is currently insufficient to determine the role of this variant in disease. Therefore, it has been classified as a Variant of Uncertain Significance.

NM_000047.3(ARSL):c.1285G>T (p.Asp429Tyr)

Gene: ARSL (arylsulfatase L; minus strand). Cytogenetic location: Xp22.33.
Variant type: single nucleotide variant.
Coding change: c.1285G>T on transcript NM_000047.3 (MANE Select); coding-DNA position 1285, G replaced by T.
Protein change: p.Asp429Tyr; replaces aspartic acid 429 with tyrosine.
Molecular consequence: missense variant.
Genome position (GRCh38, 1-based): chrX:2,938,099, C>A on the plus strand (G>T on the coding strand, the complement: ARSL is on the minus strand). VCF-style: chrX-2938099-C-A. GRCh37 (hg19) VCF-style: chrX-2856140-C-A.
Other names: c.1360G>T, p.Asp454Tyr (NM_001282628.2, NM_001369080.1); c.1123G>T, p.Asp375Tyr (NM_001282631.2); c.1312G>T, p.Asp438Tyr (NM_001369079.1); short protein forms D375Y, D454Y, D438Y, D429Y.
Identifiers: ClinVar variation 3686626 (VCV003686626.2).